The following is an entry in ClinVar:

NM_153704.6(TMEM67):c.2515A>C (p.Met839Leu)

Gene: TMEM67 (transmembrane protein 67; plus strand). Cytogenetic location: 8q22.1.
Variant type: single nucleotide variant.
Coding change: c.2515A>C on transcript NM_153704.6 (MANE Select); coding-DNA position 2515, A replaced by C.
Protein change: p.Met839Leu; replaces methionine 839 with leucine.
Molecular consequence: missense variant. On other transcripts: non-coding transcript variant (1).
Genome position (GRCh38, 1-based): chr8:93,808,915, A>C. VCF-style: chr8-93808915-A-C. GRCh37 (hg19) VCF-style: chr8-94821143-A-C.
Other names: c.2272A>C, p.Met758Leu (NM_001142301.1); short protein forms M839L, M758L.
Identifiers: ClinVar variation 1392726 (VCV001392726.6), dbSNP rs1041608878, ClinGen allele CA371699062.
Genomic context (GRCh38, chr8:93,808,915, plus strand): 5'-CAGAGAGGTTTGGTACCCAACACAGATGGTCAGACTTTTGAGATTGCAATTTCTAACCAG[A>C]TGAGACAACATTATGACAGAATTCATGAGACACTAATAAGGGTTTGTATAAAGTACAGTT-3'
Protein context (NP_714915.3, residues 829-849): QTFEIAISNQ[Met839Leu]RQHYDRIHET

ClinVar aggregate classification (germline): Uncertain significance (1 of 4 stars; one submission).

Conditions:
Joubert syndrome. Also called: CEREBELLOPARENCHYMAL DISORDER IV; JOUBERT-BOLTSHAUSER SYNDROME; Familial aplasia of the vermis. Identifiers: Orphanet 475, MedGen C5979921, MONDO:0018772.
Meckel-Gruber syndrome. Also called: DYSENCEPHALIA SPLANCHNOCYSTICA; GRUBER SYNDROME; Dysencephalia splachnocystica. Identifiers: Orphanet 564, MedGen C0265215, MONDO:0018921.

Submission:

Labcorp Genetics (formerly Invitae), Labcorp
Classification: Uncertain significance for Joubert syndrome; Meckel-Gruber syndrome. Last evaluated: 2021-11-11. Review status: criteria provided, single submitter. Criteria: Invitae Variant Classification Sherloc (09022015). Collection method: clinical testing. Allele origin: germline.
Comment: In summary, the available evidence is currently insufficient to determine the role of this variant in disease. Therefore, it has been classified as a Variant of Uncertain Significance. Advanced modeling of protein sequence and biophysical properties (such as structural, functional, and spatial information, amino acid conservation, physicochemical variation, residue mobility, and thermodynamic stability) performed at Invitae indicates that this missense variant is not expected to disrupt TMEM67 protein function. This variant has not been reported in the literature in individuals affected with TMEM67-related conditions. This variant is not present in population databases (gnomAD no frequency). This sequence change replaces methionine, which is neutral and non-polar, with leucine, which is neutral and non-polar, at codon 839 of the TMEM67 protein (p.Met839Leu).